The following is an entry in ClinVar:

NM_003742.4(ABCB11):c.2714T>A (p.Leu905Ter)

Genes: ABCB11 (ATP binding cassette subfamily B member 11; minus strand), LOC126806400 (CDK7 strongly-dependent group 2 enhancer GRCh37_chr2:169791870-169793069; plus strand). Cytogenetic location: 2q31.1.
Variant type: single nucleotide variant.
Coding change: c.2714T>A on transcript NM_003742.4 (MANE Select); coding-DNA position 2714, T replaced by A.
Protein change: p.Leu905Ter; replaces leucine 905 with a stop codon.
Molecular consequence: nonsense.
Genome position (GRCh38, 1-based): chr2:168,936,330, A>T on the plus strand (T>A on the coding strand, the complement: ABCB11 is on the minus strand). VCF-style: chr2-168936330-A-T. GRCh37 (hg19) VCF-style: chr2-169792840-A-T.
Other names: short protein forms L905*.
Identifiers: ClinVar variation 3346046 (VCV003346046.1).

ClinVar aggregate classification (germline): Likely pathogenic (0 of 4 stars; one submission).

Conditions:
ABCB11-related disorder. Also called: ABCB11-related condition.

gnomAD v4.1: 1 of 1,613,994 alleles (0.000062%); no homozygotes.

Submission:

PreventionGenetics, part of Exact Sciences
Classification: Likely pathogenic for ABCB11-related condition. Last evaluated: 2024-09-10. Review status: no assertion criteria provided. Collection method: clinical testing. Allele origin: germline.
Comment: The ABCB11 c.2714T>A variant is predicted to result in premature protein termination (p.Leu905*). To our knowledge, this variant has not been reported in the literature or in a large population database, indicating this variant is rare. Nonsense variants in ABCB11 are expected to be pathogenic. This variant is interpreted as likely pathogenic.